The following is an entry in ClinVar:

ClinVar aggregate classification (germline): Likely benign. Review status: criteria provided, single submitter (1 of 4 stars). 2 submissions from 2 submitters: Likely benign (1). 1 of the submissions does not count toward it. Last evaluated 2025-03-02.

Conditions:
CAPN5-related disorder. Also called: CAPN5-related condition.

Allele frequency attached by ClinVar (database versions not stated): gnomAD 0.00003; gnomAD exomes 0.00003 and 0.00018; TOPMed 0.00006; 1000 Genomes Project 30x 0.00016; ExAC 0.00016; 1000 Genomes Project 0.00020.
gnomAD v4.1: 41 of 1,600,506 alleles (0.0026%); highest among the groups gnomAD compares: East Asian, 0.076%; 1 homozygote.

Submissions (2):

Labcorp Genetics (formerly Invitae), Labcorp
Classification: Likely benign. Last evaluated: 2025-03-02. Review status: criteria provided, single submitter. Criteria: Invitae Variant Classification Sherloc (09022015). Collection method: clinical testing. Allele origin: germline.

PreventionGenetics, part of Exact Sciences
Classification: Likely benign for CAPN5-related condition. Last evaluated: 2019-12-27. Review status: no assertion criteria provided. Collection method: clinical testing. Allele origin: germline. Not counted in ClinVar's aggregate classification.
Comment: This variant is classified as likely benign based on ACMG/AMP sequence variant interpretation guidelines (Richards et al. 2015 PMID: 25741868, with internal and published modifications).

NM_004055.5(CAPN5):c.1292T>C (p.Val431Ala)

Gene: CAPN5 (calpain 5; plus strand). Cytogenetic location: 11q13.5.
Variant type: single nucleotide variant.
Coding change: c.1292T>C on transcript NM_004055.5 (MANE Select); coding-DNA position 1292, T replaced by C.
Protein change: p.Val431Ala; replaces valine 431 with alanine.
Molecular consequence: missense variant.
Genome position (GRCh38, 1-based): chr11:77,120,714, T>C. VCF-style: chr11-77120714-T-C. GRCh37 (hg19) VCF-style: chr11-76831760-T-C.
Other names: c.1292T>C (NM_004055.4); short protein forms V431A.
Identifiers: ClinVar variation 1663367 (VCV001663367.10), dbSNP rs531631749, ClinGen allele CA6196769.